The following is an entry in ClinVar:

NM_005876.5(SPEG):c.4129G>A (p.Val1377Met)

Gene: SPEG (striated muscle enriched protein kinase; plus strand). Cytogenetic location: 2q35.
Variant type: single nucleotide variant.
Coding change: c.4129G>A on transcript NM_005876.5 (MANE Select); coding-DNA position 4129, G replaced by A.
Protein change: p.Val1377Met; replaces valine 1377 with methionine.
Molecular consequence: missense variant.
Genome position (GRCh38, 1-based): chr2:219,473,078, G>A. VCF-style: chr2-219473078-G-A. GRCh37 (hg19) VCF-style: chr2-220337800-G-A.
Other names: short protein forms V1377M.
Identifiers: ClinVar variation 1032369 (VCV001032369.1), dbSNP rs1352203937, ClinGen allele CA350753615.

ClinVar aggregate classification (germline): Uncertain significance (1 of 4 stars; one submission).

Conditions:
Myopathy, centronuclear, 5 (CNM5). Identifiers: Orphanet 169186, MedGen C4014814, MONDO:0014418, OMIM 615959.

Allele frequency attached by ClinVar (database versions not stated): gnomAD 0.00001; TOPMed 0.00001.
gnomAD v4.1: 2 of 1,613,702 alleles (0.00012%); highest among the groups gnomAD compares: African/African-American, 0.0027%; no homozygotes.

Submission:

Baylor Genetics
Classification: Uncertain significance for Myopathy, centronuclear, 5. Last evaluated: 2018-03-19. Review status: criteria provided, single submitter. Criteria: ACMG Guidelines, 2015. Collection method: clinical testing. Allele origin: unknown. Affected: yes.
Comment: This variant was determined to be of uncertain significance according to ACMG Guidelines, 2015 [PMID:25741868].